The following is an entry in ClinVar:

ClinVar aggregate classification (germline): Conflicting classifications of pathogenicity. Review status: criteria provided, conflicting classifications (1 of 4 stars). 2 submissions from 2 submitters: Uncertain significance (1); Likely benign (1). Last evaluated 2025-12-31.

Conditions:
Hereditary cancer-predisposing syndrome. Also called: Neoplastic Syndromes, Hereditary; Hereditary neoplastic syndrome; Tumor predisposition; Hereditary Cancer Syndrome. Identifiers: Orphanet 140162, MedGen C0027672, MeSH D009386, MONDO:0015356.
Mitochondrial complex II deficiency, nuclear type 1. Also called: SUCCINATE CoQ REDUCTASE DEFICIENCY. Identifiers: Orphanet 3208, MedGen C5700310, MONDO:0100294, OMIM 252011.
Pheochromocytoma/paraganglioma syndrome 5. Also called: Paragangliomas 5; SDHA-Related Hereditary Paraganglioma-Pheochromocytoma Syndrome. Identifiers: Orphanet 29072, MedGen C3279992, MONDO:0013602, OMIM 614165.

gnomAD v4.1: 1 of 1,457,036 alleles (0.000069%); no homozygotes.

Submissions (2):

Labcorp Genetics (formerly Invitae), Labcorp
Classification: Uncertain significance for Pheochromocytoma/paraganglioma syndrome 5; Mitochondrial complex II deficiency, nuclear type 1. Last evaluated: 2025-12-31. Review status: criteria provided, single submitter. Criteria: Invitae Variant Classification Sherloc (09022015). Collection method: clinical testing. Allele origin: germline.
Comment: This sequence change replaces glycine, which is neutral and non-polar, with alanine, which is neutral and non-polar, at codon 6 of the SDHA protein (p.Gly6Ala). This variant is not present in population databases (gnomAD no frequency). This variant has not been reported in the literature in individuals affected with SDHA-related conditions. ClinVar contains an entry for this variant (Variation ID: 862272). Invitae Evidence Modeling of protein sequence and biophysical properties (such as structural, functional, and spatial information, amino acid conservation, physicochemical variation, residue mobility, and thermodynamic stability) indicates that this missense variant is not expected to disrupt SDHA protein function with a negative predictive value of 95%. In summary, the available evidence is currently insufficient to determine the role of this variant in disease. Therefore, it has been classified as a Variant of Uncertain Significance.

Ambry Genetics
Classification: Likely benign for Hereditary cancer-predisposing syndrome. Last evaluated: 2021-08-19. Review status: criteria provided, single submitter. Criteria: Ambry Variant Classification Scheme 2023. Collection method: clinical testing. Allele origin: germline.

NM_004168.4(SDHA):c.17G>C (p.Gly6Ala)

Gene: SDHA (succinate dehydrogenase complex flavoprotein subunit A; plus strand). Cytogenetic location: 5p15.33.
Variant type: single nucleotide variant.
Coding change: c.17G>C on transcript NM_004168.4 (MANE Select); coding-DNA position 17, G replaced by C.
Protein change: p.Gly6Ala; replaces glycine 6 with alanine.
Molecular consequence: missense variant.
Genome position (GRCh38, 1-based): chr5:218,372, G>C. VCF-style: chr5-218372-G-C. GRCh37 (hg19) VCF-style: chr5-218487-G-C.
Other names: c.17G>C, p.Gly6Ala (NM_001294332.2, NM_001330758.2); short protein forms G6A.
Identifiers: ClinVar variation 862272 (VCV000862272.12), dbSNP rs187964306, ClinGen allele CA359007285.